The following is an entry in ClinVar:

ClinVar aggregate classification (germline): Conflicting classifications of pathogenicity. Review status: criteria provided, conflicting classifications (1 of 4 stars). 6 submissions from 6 submitters: Uncertain significance (1); Benign (1); Likely benign (4). Last evaluated 2025-12-21.

Conditions:
Hereditary cancer-predisposing syndrome. Also called: Hereditary Cancer Syndrome; Tumor predisposition; Hereditary neoplastic syndrome; Neoplastic Syndromes, Hereditary. Identifiers: Orphanet 140162, MedGen C0027672, MeSH D009386, MONDO:0015356.
Tuberous sclerosis syndrome (TSC). Also called: Tuberous Sclerosis Complex; Tuberous sclerosis. Identifiers: Orphanet 805, MedGen C0041341, MONDO:0001734.
Tuberous sclerosis 2 (TSC2). Identifiers: Orphanet 805, MedGen C1860707, MONDO:0013199, OMIM 613254.

gnomAD v4.1: 2 of 1,614,126 alleles (0.00012%); highest among the groups gnomAD compares: East Asian, 0.0022%; no homozygotes.

Submissions (6):

Labcorp Genetics (formerly Invitae), Labcorp
Classification: Likely benign for Tuberous sclerosis 2. Last evaluated: 2025-12-21. Review status: criteria provided, single submitter. Criteria: Invitae Variant Classification Sherloc (09022015). Collection method: clinical testing. Allele origin: germline.

Myriad Genetics, Inc.
Classification: Benign for Tuberous sclerosis 2. Last evaluated: 2025-05-07. Review status: criteria provided, single submitter. Criteria: Myriad Autosomal Dominant, Autosomal Recessive and X-Linked Classification Criteria (2023). Collection method: clinical testing. Allele origin: unknown.
Comment: This variant is considered benign. This variant is a silent/synonymous amino acid change and it is not expected to impact splicing.

All of Us Research Program, National Institutes of Health
Classification: Likely benign for Tuberous sclerosis syndrome. Last evaluated: 2023-12-01. Review status: criteria provided, single submitter. Criteria: ACMG Guidelines, 2015. Collection method: clinical testing. Allele origin: germline. Inheritance: Autosomal dominant inheritance. Observed: 2 variant alleles, 2 heterozygotes.
Comment: This study involves interpretation of variants in research participants for the purpose of population health screening. Participant phenotype was not available at the time of variant classification. Additional details can be found in publication PMID: 35346344, PMCID: PMC8962531

Ambry Genetics
Classification: Likely benign for Hereditary cancer-predisposing syndrome. Last evaluated: 2023-04-25. Review status: criteria provided, single submitter. Criteria: Ambry Variant Classification Scheme 2023. Collection method: clinical testing. Allele origin: germline.

Genome-Nilou Lab
Classification: Likely benign for Tuberous sclerosis 2. Last evaluated: 2021-11-07. Review status: criteria provided, single submitter. Criteria: ACMG Guidelines, 2015. Collection method: clinical testing. Allele origin: germline. Affected: no.

Eurofins Ntd Llc (ga)
Classification: Uncertain significance. Last evaluated: 2015-01-21. Review status: criteria provided, single submitter. Criteria: EGL Classification Definitions 2015. Collection method: clinical testing. Allele origin: germline. Observed: 1 variant allele, 1 heterozygote.

NM_000548.5(TSC2):c.573C>G (p.Leu191=)

Gene: TSC2 (TSC complex subunit 2; plus strand). Cytogenetic location: 16p13.3.
Variant type: single nucleotide variant.
Coding change: c.573C>G on transcript NM_000548.5 (MANE Select); coding-DNA position 573, C replaced by G.
Protein change: p.Leu191=; no amino-acid change (leucine 191 retained).
Molecular consequence: synonymous variant. On other transcripts: intron variant (1).
Genome position (GRCh38, 1-based): chr16:2,055,493, C>G. VCF-style: chr16-2055493-C-G. GRCh37 (hg19) VCF-style: chr16-2105494-C-G.
Other names: c.573C>G, p.Leu191= (NM_001077183.3, NM_001114382.3, NM_001363528.2 and 3 more transcripts); c.462C>G, p.Leu154= (NM_001318827.2); c.426C>G, p.Leu142= (NM_001318829.2); c.606C>G, p.Leu202= (NM_001318832.2); c.-1-703C>G (NM_001318831.2).
Identifiers: ClinVar variation 198097 (VCV000198097.21), dbSNP rs397515059, ClinGen allele CA022569.